The following is an entry in ClinVar:

NM_177438.3(DICER1):c.4207-2A>G

Gene: DICER1 (dicer 1, ribonuclease III; minus strand). Cytogenetic location: 14q32.13.
Variant type: single nucleotide variant.
Coding change: c.4207-2A>G on transcript NM_177438.3 (MANE Select); the canonical splice acceptor site of the intron before coding-DNA position 4207, A replaced by G.
Molecular consequence: splice acceptor variant.
Genome position (GRCh38, 1-based): chr14:95,096,715, T>C on the plus strand (A>G on the coding strand, the complement: DICER1 is on the minus strand). VCF-style: chr14-95096715-T-C. GRCh37 (hg19) VCF-style: chr14-95563052-T-C.
Other names: c.4207-2A>G (NM_001395682.1, NM_001271282.3, NM_001195573.1 and 12 more transcripts); c.3802-2A>G (NM_001395696.1, NM_001395689.1, NM_001395688.1 and 2 more transcripts); c.3925-2A>G (NM_001395686.1); c.3640-2A>G (NM_001395691.1); c.2524-2A>G (NM_001395697.1).
Identifiers: ClinVar variation 1476134 (VCV001476134.7), dbSNP rs2139855793, ClinGen allele CA390869915.

ClinVar aggregate classification (germline): Likely pathogenic (1 of 4 stars; one submission).

Conditions:
DICER1-related tumor predisposition. Also called: DICER1-related pleuropulmonary blastoma cancer predisposition syndrome; DICER1 syndrome. Identifiers: Orphanet 284343, MedGen C3839822, MONDO:0100216.

Submission:

Labcorp Genetics (formerly Invitae), Labcorp
Classification: Likely pathogenic for DICER1-related tumor predisposition. Last evaluated: 2021-08-27. Review status: criteria provided, single submitter. Criteria: Invitae Variant Classification Sherloc (09022015). Collection method: clinical testing. Allele origin: germline.
Comment: In summary, the currently available evidence indicates that the variant is pathogenic, but additional data are needed to prove that conclusively. Therefore, this variant has been classified as Likely Pathogenic. Algorithms developed to predict the effect of sequence changes on RNA splicing suggest that this variant may disrupt the consensus splice site. This variant has not been reported in the literature in individuals affected with DICER1-related conditions. This variant is not present in population databases (ExAC no frequency). This sequence change affects an acceptor splice site in intron 22 of the DICER1 gene. It is expected to disrupt RNA splicing. Variants that disrupt the donor or acceptor splice site typically lead to a loss of protein function (PMID: 16199547), and loss-of-function variants in DICER1 are known to be pathogenic (PMID: 19556464, 21266384).

Literature cited by the submitters: PubMed 16199547; PubMed 19556464; PubMed 21266384.